The following is an entry in ClinVar:

NM_004370.6(COL12A1):c.5646A>T (p.Ala1882=)

Gene: COL12A1 (collagen type XII alpha 1 chain; minus strand). Cytogenetic location: 6q13.
Variant type: single nucleotide variant.
Coding change: c.5646A>T on transcript NM_004370.6 (MANE Select); coding-DNA position 5646, A replaced by T.
Protein change: p.Ala1882=; no amino-acid change (alanine 1882 retained).
Molecular consequence: synonymous variant.
Genome position (GRCh38, 1-based): chr6:75,133,876, T>A on the plus strand (A>T on the coding strand, the complement: COL12A1 is on the minus strand). VCF-style: chr6-75133876-T-A. GRCh37 (hg19) VCF-style: chr6-75843592-T-A.
Other names: p.Ala1882=; c.2154A>T, p.Ala718= (NM_080645.3).
Identifiers: ClinVar variation 762673 (VCV000762673.11), dbSNP rs774390819, ClinGen allele CA140990050.
Genomic context (GRCh38, chr6:75,133,876, plus strand): 5'-CATTTAAACAAACTAGCATTTTTTACTACAAGAAATAATTACCAGTTCCTCTGGACCACC[T>A]GCTGCTGGTGCATAGAAGAGCTTGTACTGACGAGGATTTCCCTCTGCATGGTCCCAGCGG-3'
Protein context (NP_004361.3, residues 1872-1892): RQYKLFYAPA[Ala1882=]GGPEELVPIP

ClinVar aggregate classification (germline): Likely benign. Review status: criteria provided, multiple submitters, no conflicts (2 of 4 stars). 3 submissions from 3 submitters: Likely benign (3). Last evaluated 2025-12-01.

Conditions:
Ullrich congenital muscular dystrophy 2 (UCMD2). Identifiers: Orphanet 75840, MedGen C4225314, MONDO:0014654, OMIM 616470.
Bethlem myopathy 2 (BTHLM2). Identifiers: Orphanet 536516, Orphanet 610, MedGen C4225313, MONDO:0034022, OMIM 616471.

Allele frequency attached by ClinVar (database versions not stated): gnomAD 0.00002; gnomAD exomes 0.00002; TOPMed 0.00002.
gnomAD v4.1: 36 of 1,614,004 alleles (0.0022%); highest among the groups gnomAD compares: Non-Finnish European, 0.0028%; no homozygotes.

Submissions (3):

Labcorp Genetics (formerly Invitae), Labcorp
Classification: Likely benign for Bethlem myopathy 2; Ullrich congenital muscular dystrophy 2. Last evaluated: 2025-12-01. Review status: criteria provided, single submitter. Criteria: Invitae Variant Classification Sherloc (09022015). Collection method: clinical testing. Allele origin: germline.

Mayo Clinic Laboratories, Mayo Clinic
Classification: Likely benign. Last evaluated: 2025-10-10. Review status: criteria provided, single submitter. Criteria: ACMG Guidelines, 2015. Collection method: clinical testing. Allele origin: germline. Observed: 1 variant allele.
Comment: BP4, BP7, PM2_supporting

Blueprint Genetics
Classification: Likely benign. Last evaluated: 2023-03-28. Review status: criteria provided, single submitter. Criteria: ACMG Guidelines, 2015. Collection method: clinical testing. Allele origin: germline.